The following is an entry in ClinVar:

ClinVar aggregate classification (germline): Uncertain significance. Review status: criteria provided, multiple submitters, no conflicts (2 of 4 stars). 6 submissions from 6 submitters: Uncertain significance (6). Last evaluated 2026-03-23.

Conditions:
Cardiovascular phenotype. Identifiers: MedGen CN230736.
Hypertrophic cardiomyopathy 9. Also called: Familial hypertrophic cardiomyopathy 9. Identifiers: MedGen C1861065, MONDO:0013412, OMIM 613765.
Autosomal recessive limb-girdle muscular dystrophy type 2J (LGMDR10). Also called: MUSCULAR DYSTROPHY, LIMB-GIRDLE, AUTOSOMAL RECESSIVE 10; Limb-girdle muscular dystrophy, type 2J. Identifiers: Orphanet 140922, MedGen C1837342, MONDO:0012127, OMIM 608807.
Tibial muscular dystrophy (TMD). Also called: UDD MYOPATHY; Udd Distal Myopathy – Tibial Muscular Dystrophy; Tibial muscular dystrophy, tardive. Identifiers: Orphanet 609, MedGen C1838244, MONDO:0010870, OMIM 600334.
Early-onset myopathy with fatal cardiomyopathy (CMYO5). Also called: CONGENITAL MYOPATHY 5 WITH CARDIOMYOPATHY; Salih Myopathy. Identifiers: Orphanet 289377, MedGen C2673677, MONDO:0012714, OMIM 611705. Disease mechanism: loss of function.
Myopathy, myofibrillar, 9, with early respiratory failure (MFM9). Also called: Myopathy, distal, with early respiratory failure, autosomal dominant; MYOPATHY, PROXIMAL, WITH EARLY RESPIRATORY MUSCLE INVOLVEMENT; Hereditary myopathy with early respiratory failure; EDSTROM MYOPATHY. Identifiers: Orphanet 178464, Orphanet 34521, MedGen C1863599, MONDO:0011362, OMIM 603689.
Dilated cardiomyopathy 1G (CMD1G). Identifiers: Orphanet 154, MedGen C1858763, MONDO:0011400, OMIM 604145.

Allele frequency attached by ClinVar (database versions not stated): ExAC 0.00001; gnomAD 0.00001; gnomAD exomes 0.00002 and 0.00007; TOPMed 0.00003.
gnomAD v4.1: 97 of 1,613,458 alleles (0.006%); highest among the groups gnomAD compares: Non-Finnish European, 0.008%; no homozygotes.

Submissions (6):

GeneDx
Classification: Uncertain significance. Last evaluated: 2026-03-23. Review status: criteria provided, single submitter. Criteria: GeneDx Variant Classification Process June 2021. Collection method: clinical testing. Allele origin: germline.
Comment: Not observed at significant frequency in large population cohorts (gnomAD); Missense variant in a gene in which most reported pathogenic variants are truncating/loss of function; Has not been previously published as pathogenic or benign to our knowledge

CeGaT Center for Human Genetics Tuebingen
Classification: Uncertain significance. Last evaluated: 2023-12-01. Review status: criteria provided, single submitter. Criteria: CeGaT Center For Human Genetics Tuebingen Variant Classification Criteria Version 2. Collection method: clinical testing. Allele origin: germline. Affected: yes. Observed: 2 variant alleles.
Comment: TTN: PM2, BP4

Fulgent Genetics
Classification: Uncertain significance for Tibial muscular dystrophy; Myopathy, myofibrillar, 9, with early respiratory failure; Dilated cardiomyopathy 1G; Autosomal recessive limb-girdle muscular dystrophy type 2J; Early-onset myopathy with fatal cardiomyopathy; Hypertrophic cardiomyopathy 9. Last evaluated: 2021-10-15. Review status: criteria provided, single submitter. Criteria: ACMG Guidelines, 2015. Collection method: clinical testing. Allele origin: unknown.

Revvity Omics, Revvity
Classification: Uncertain significance. Last evaluated: 2019-06-05. Review status: criteria provided, single submitter. Criteria: ACMG Guidelines, 2015. Collection method: clinical testing. Allele origin: germline.

Ambry Genetics
Classification: Uncertain significance for Cardiovascular phenotype. Last evaluated: 2018-07-08. Review status: criteria provided, single submitter. Criteria: Ambry Variant Classification Scheme 2023. Collection method: clinical testing. Allele origin: germline.
Comment: The p.S22807R variant (also known as c.68421C>A), located in coding exon 171 of the TTN gene, results from a C to A substitution at nucleotide position 68421. The serine at codon 22807 is replaced by arginine, an amino acid with dissimilar properties. This amino acid position is poorly conserved in available vertebrate species. In addition, this alteration is predicted to be benign and tolerated by PolyPhen and Swift in silico analyses, respectively. Since supporting evidence is limited at this time, the clinical significance of this alteration remains unclear.

Eurofins Ntd Llc (ga)
Classification: Uncertain significance. Last evaluated: 2018-06-21. Review status: criteria provided, single submitter. Criteria: EGL ClinVar v180209 classification definitions. Collection method: clinical testing. Allele origin: germline. Observed: 2 variant alleles, 2 heterozygotes.

NM_001267550.2(TTN):c.95616C>A (p.Ser31872Arg)

Genes: TTN (titin; minus strand), TTN-AS1 (TTN antisense RNA 1; plus strand). Cytogenetic location: 2q31.2.
Variant type: single nucleotide variant.
Coding change: c.95616C>A on transcript NM_001267550.2 (MANE Select); coding-DNA position 95616, C replaced by A.
Protein change: p.Ser31872Arg; replaces serine 31872 with arginine.
Molecular consequence: missense variant.
Genome position (GRCh38, 1-based): chr2:178,545,494, G>T on the plus strand (C>A on the coding strand, the complement: TTN is on the minus strand). VCF-style: chr2-178545494-G-T. GRCh37 (hg19) VCF-style: chr2-179410221-G-T.
Other names: c.95616C>A (NM_001267550.1); c.90693C>A, p.Ser30231Arg (NM_001256850.1); c.68421C>A, p.Ser22807Arg (NM_003319.4); c.87912C>A, p.Ser29304Arg (NM_133378.4); c.68796C>A, p.Ser22932Arg (NM_133432.3); c.68997C>A, p.Ser22999Arg (NM_133437.4); short protein forms S31872R, S29304R, S22999R, S22807R, S30231R, S22932R.
Identifiers: ClinVar variation 592901 (VCV000592901.36), dbSNP rs757129504, ClinGen allele CA1986915.